The following is an entry in ClinVar:

NC_000018.9:g.(?_21119346)_(21126312_?)del

Gene: NPC1 (NPC intracellular cholesterol transporter 1; minus strand). Cytogenetic location: 18q11.2.
Variant type: Deletion.
Identifiers: ClinVar variation 3242769 (VCV003242769.1).

ClinVar aggregate classification (germline): Pathogenic (1 of 4 stars; one submission).

Conditions:
Niemann-Pick disease, type C1. Also called: NEUROVISCERAL STORAGE DISEASE WITH VERTICAL SUPRANUCLEAR OPHTHALMOPLEGIA; NIEMANN-PICK DISEASE WITH CHOLESTEROL ESTERIFICATION BLOCK; NIEMANN-PICK DISEASE WITHOUT SPHINGOMYELINASE DEFICIENCY; NIEMANN-PICK DISEASE, CHRONIC NEURONOPATHIC FORM; NIEMANN-PICK DISEASE, VARIANT TYPE C1. Identifiers: Orphanet 646, MedGen C3179455, MONDO:0009757, OMIM 257220.

Submission:

Labcorp Genetics (formerly Invitae), Labcorp
Classification: Pathogenic for Niemann-Pick disease, type C1. Last evaluated: 2023-08-10. Review status: criteria provided, single submitter. Criteria: Invitae Variant Classification Sherloc (09022015). Collection method: clinical testing. Allele origin: unknown.
Comment: This variant results in the deletion of c.1758-1199_2884del of the NPC1 gene. It is expected to disrupt RNA splicing. Variants that disrupt the donor or acceptor splice site typically lead to a loss of protein function (PMID: 16199547), and loss-of-function variants in NPC1 are known to be pathogenic (PMID: 9211850). This variant has not been reported in the literature in individuals affected with NPC1-related conditions. This variant disrupts a region of the NPC1 protein in which other variant(s) (p.Ser954Leu) have been determined to be pathogenic (PMID: 11182931, 12401890, 23773996, 24915861). This suggests that this is a clinically significant region of the protein, and that variants that disrupt it are likely to be disease-causing. For these reasons, this variant has been classified as Pathogenic.

Literature cited by the submitters: PubMed 16199547; PubMed 9211850; PubMed 11182931; PubMed 12401890; PubMed 23773996; PubMed 24915861.